The following is an entry in ClinVar:

ClinVar aggregate classification (germline): Conflicting classifications of pathogenicity. Review status: criteria provided, conflicting classifications (1 of 4 stars). 4 submissions from 3 submitters: Uncertain significance (3); Likely benign (1). Last evaluated 2024-10-25.

Conditions:
Cone dystrophy 4 (COD4). Identifiers: Orphanet 49382, MedGen C2751308, MONDO:0013129, OMIM 613093.
Achromatopsia. Also called: Rod monochromatism. Identifiers: Orphanet 49382, MedGen C0152200, MONDO:0018852, HP:0011516.

Allele frequency attached by ClinVar (database versions not stated): gnomAD exomes 0.00005 and 0.00011; gnomAD 0.00006; TOPMed 0.00006; ExAC 0.00009.
gnomAD v4.1: 92 of 1,604,930 alleles (0.0057%); highest among the groups gnomAD compares: East Asian, 0.12%; no homozygotes.

Submissions (4):

Labcorp Genetics (formerly Invitae), Labcorp
Classification: Uncertain significance. Last evaluated: 2024-10-25. Review status: criteria provided, single submitter. Criteria: Invitae Variant Classification Sherloc (09022015). Collection method: clinical testing. Allele origin: germline.
Comment: This sequence change replaces glutamic acid, which is acidic and polar, with alanine, which is neutral and non-polar, at codon 329 of the PDE6C protein (p.Glu329Ala). This variant is present in population databases (rs758391651, gnomAD 0.1%). This variant has not been reported in the literature in individuals affected with PDE6C-related conditions. ClinVar contains an entry for this variant (Variation ID: 301628). Invitae Evidence Modeling of protein sequence and biophysical properties (such as structural, functional, and spatial information, amino acid conservation, physicochemical variation, residue mobility, and thermodynamic stability) indicates that this missense variant is expected to disrupt PDE6C protein function with a positive predictive value of 95%. In summary, the available evidence is currently insufficient to determine the role of this variant in disease. Therefore, it has been classified as a Variant of Uncertain Significance.

Blueprint Genetics
Classification: Likely benign. Last evaluated: 2024-01-17. Review status: criteria provided, single submitter. Criteria: ACMG Guidelines, 2015. Collection method: clinical testing. Allele origin: germline.

Illumina Laboratory Services, Illumina
Classification: Uncertain significance for Cone dystrophy 4. Last evaluated: 2018-01-12. Review status: criteria provided, single submitter. Criteria: ICSL Variant Classification Criteria 13 December 2019. Collection method: clinical testing. Allele origin: germline.

Illumina Laboratory Services, Illumina
Classification: Uncertain significance for Achromatopsia. Last evaluated: 2018-01-12. Review status: criteria provided, single submitter. Criteria: ICSL Variant Classification Criteria 13 December 2019. Collection method: clinical testing. Allele origin: germline.

NM_006204.4(PDE6C):c.986A>C (p.Glu329Ala)

Gene: PDE6C (phosphodiesterase 6C; plus strand). Cytogenetic location: 10q23.33.
Variant type: single nucleotide variant.
Coding change: c.986A>C on transcript NM_006204.4 (MANE Select); coding-DNA position 986, A replaced by C.
Protein change: p.Glu329Ala; replaces glutamic acid 329 with alanine.
Molecular consequence: missense variant.
Genome position (GRCh38, 1-based): chr10:93,626,686, A>C. VCF-style: chr10-93626686-A-C. GRCh37 (hg19) VCF-style: chr10-95386443-A-C.
Other names: short protein forms E329A.
Identifiers: ClinVar variation 301628 (VCV000301628.13), dbSNP rs758391651, ClinGen allele CA5610004.